The following is an entry in ClinVar:

ClinVar aggregate classification (germline): Uncertain significance (1 of 4 stars; one submission).

Conditions:
Retinitis pigmentosa 59 (RP59). Identifiers: Orphanet 791, MedGen C3151227, MONDO:0013468, OMIM 613861.

Submission:

Labcorp Genetics (formerly Invitae), Labcorp
Classification: Uncertain significance for Retinitis pigmentosa 59. Last evaluated: 2023-05-16. Review status: criteria provided, single submitter. Criteria: Invitae Variant Classification Sherloc (09022015). Collection method: clinical testing. Allele origin: germline.
Comment: In summary, the available evidence is currently insufficient to determine the role of this variant in disease. Therefore, it has been classified as a Variant of Uncertain Significance. This variant disrupts the p.Arg37 amino acid residue in DHDDS. Other variant(s) that disrupt this residue have been determined to be pathogenic (PMID: 29100083, 34034154; Invitae). This suggests that this residue is clinically significant, and that variants that disrupt this residue are likely to be disease-causing. Advanced modeling of protein sequence and biophysical properties (such as structural, functional, and spatial information, amino acid conservation, physicochemical variation, residue mobility, and thermodynamic stability) performed at Invitae indicates that this missense variant is expected to disrupt DHDDS protein function. This missense change has been observed in individual(s) with clinical features of developmental and epileptic encephalopathy (Invitae). This variant is not present in population databases (gnomAD no frequency). This sequence change replaces arginine, which is basic and polar, with leucine, which is neutral and non-polar, at codon 37 of the DHDDS protein (p.Arg37Leu).

Literature cited by the submitters: PubMed 29100083; PubMed 34034154.

NM_205861.3(DHDDS):c.110G>T (p.Arg37Leu)

Gene: DHDDS (dehydrodolichyl diphosphate synthase subunit; plus strand). Cytogenetic location: 1p36.11.
Variant type: single nucleotide variant.
Coding change: c.110G>T on transcript NM_205861.3 (MANE Select); coding-DNA position 110, G replaced by T.
Protein change: p.Arg37Leu; replaces arginine 37 with leucine.
Molecular consequence: missense variant. On other transcripts: 5 prime UTR variant (1).
Genome position (GRCh38, 1-based): chr1:26,438,214, G>T. VCF-style: chr1-26438214-G-T. GRCh37 (hg19) VCF-style: chr1-26764705-G-T.
Other names: c.110G>T, p.Arg37Leu (NM_001243564.2, NM_001243565.2, NM_024887.4); c.-193G>T (NM_001319959.2); short protein forms R37L.
Identifiers: ClinVar variation 2814659 (VCV002814659.3), dbSNP rs1553121073, ClinGen allele CA339138683.